The following is an entry in ClinVar:

ClinVar aggregate classification (germline): Uncertain significance (1 of 4 stars; one submission).

Submission:

GeneDx
Classification: Uncertain significance. Last evaluated: 2026-03-28. Review status: criteria provided, single submitter. Criteria: GeneDx Variant Classification Process June 2021. Collection method: clinical testing. Allele origin: germline.
Comment: Not observed at significant frequency in large population cohorts (gnomAD); In silico analysis suggests that this missense variant does not alter protein structure/function; Has not been previously published as pathogenic or benign to our knowledge

NM_020922.5(WNK3):c.3803C>A (p.Ser1268Tyr)

Gene: WNK3 (WNK lysine deficient protein kinase 3; minus strand). Cytogenetic location: Xp11.22.
Variant type: single nucleotide variant.
Coding change: c.3803C>A on transcript NM_020922.5 (MANE Select); coding-DNA position 3803, C replaced by A.
Protein change: p.Ser1268Tyr; replaces serine 1268 with tyrosine.
Molecular consequence: missense variant. On other transcripts: intron variant (2).
Genome position (GRCh38, 1-based): chrX:54,238,948, G>T on the plus strand (C>A on the coding strand, the complement: WNK3 is on the minus strand). VCF-style: chrX-54238948-G-T. GRCh37 (hg19) VCF-style: chrX-54265381-G-T.
Other names: c.3742+61C>A (NM_001395166.1, NM_001002838.4); short protein forms S1268Y.
Identifiers: ClinVar variation 5017865 (VCV005017865.1).
Genomic context (GRCh38, chrX:54,238,948, plus strand): 5'-TTGAAAAAGCTGGTTGACTGCCGTAGCCTGTATGCCCAGCTTTTTAATTTGCGAGTCCAG[G>T]ATTTCTTGCTAATAGGATTTTTGAGACTAGGACAAGTAAAGCTTAGGCCAAAATATCCAC-3'
Protein context (NP_065973.2, residues 1258-1278): PSLKNPISKK[Ser1268Tyr]WTRKLKSWAY